The following is an entry in ClinVar:

ClinVar aggregate classification (germline): Uncertain significance. Review status: criteria provided, multiple submitters, no conflicts (2 of 4 stars). 2 submissions from 2 submitters: Uncertain significance (2). Last evaluated 2025-08-27.

Conditions:
Hereditary cancer-predisposing syndrome. Also called: Tumor predisposition; Hereditary neoplastic syndrome; Neoplastic Syndromes, Hereditary; Hereditary Cancer Syndrome. Identifiers: Orphanet 140162, MedGen C0027672, MeSH D009386, MONDO:0015356.
Gastrointestinal stromal tumor. Also called: Gastrointestinal stroma tumor; Gastrointestinal stromal tumor, somatic. Identifiers: Orphanet 44890, MedGen C0238198, MeSH D046152, MONDO:0011719, OMIM 606764, HP:0100723.

Allele frequency attached by ClinVar (database versions not stated): gnomAD below 0.00001 and 0.00001; gnomAD exomes below 0.00001 and 0.00001; TOPMed below 0.00001; ExAC 0.00001.
gnomAD v4.1: 4 of 1,613,596 alleles (0.00025%); highest among the groups gnomAD compares: South Asian, 0.0033%; no homozygotes.

Submissions (2):

Labcorp Genetics (formerly Invitae), Labcorp
Classification: Uncertain significance for Gastrointestinal stromal tumor. Last evaluated: 2025-08-27. Review status: criteria provided, single submitter. Criteria: Invitae Variant Classification Sherloc (09022015). Collection method: clinical testing. Allele origin: germline.
Comment: This sequence change replaces methionine, which is neutral and non-polar, with valine, which is neutral and non-polar, at codon 732 of the PDGFRA protein (p.Met732Val). This variant is present in population databases (rs749523527, gnomAD 0.003%). This variant has not been reported in the literature in individuals affected with PDGFRA-related conditions. ClinVar contains an entry for this variant (Variation ID: 459045). An algorithm developed to predict the effect of missense changes on protein structure and function outputs the following: PolyPhen-2: "Benign". The valine amino acid residue is found in multiple mammalian species, which suggests that this missense change does not adversely affect protein function. In summary, the available evidence is currently insufficient to determine the role of this variant in disease. Therefore, it has been classified as a Variant of Uncertain Significance.

Ambry Genetics
Classification: Uncertain significance for Hereditary cancer-predisposing syndrome. Last evaluated: 2022-01-30. Review status: criteria provided, single submitter. Criteria: Ambry Variant Classification Scheme 2023. Collection method: clinical testing. Allele origin: germline.
Comment: The p.M732V variant (also known as c.2194A>G), located in coding exon 15 of the PDGFRA gene, results from an A to G substitution at nucleotide position 2194. The methionine at codon 732 is replaced by valine, an amino acid with highly similar properties. This amino acid position is conserved. In addition, this alteration is predicted to be tolerated by in silico analysis. Since supporting evidence is limited at this time, the clinical significance of this alteration remains unclear.

NM_006206.6(PDGFRA):c.2194A>G (p.Met732Val)

Gene: PDGFRA (platelet derived growth factor receptor alpha; plus strand). Cytogenetic location: 4q12.
Variant type: single nucleotide variant.
Coding change: c.2194A>G on transcript NM_006206.6 (MANE Select); coding-DNA position 2194, A replaced by G.
Protein change: p.Met732Val; replaces methionine 732 with valine.
Molecular consequence: missense variant.
Genome position (GRCh38, 1-based): chr4:54,280,353, A>G. VCF-style: chr4-54280353-A-G. GRCh37 (hg19) VCF-style: chr4-55146520-A-G.
Other names: c.2194A>G, p.Met732Val (NM_001347827.2, NM_001347829.2); c.2269A>G, p.Met757Val (NM_001347828.2); c.2233A>G, p.Met745Val (NM_001347830.2); short protein forms M732V, M745V, M757V.
Identifiers: ClinVar variation 459045 (VCV000459045.11), dbSNP rs749523527, ClinGen allele CA2922784.